The following is an entry in ClinVar:

ClinVar aggregate classification (germline): Uncertain significance (1 of 4 stars; one submission).

Conditions:
Autosomal recessive spastic paraplegia type 78. Identifiers: Orphanet 513436, MedGen C5567893, MONDO:0014975, OMIM 617225.
Kufor-Rakeb syndrome (KRS). Also called: PARKINSON DISEASE 9, AUTOSOMAL RECESSIVE, JUVENILE-ONSET. Identifiers: Orphanet 306674, Orphanet 314632, MedGen C1847640, MONDO:0011706, OMIM 606693.

Submission:

Labcorp Genetics (formerly Invitae), Labcorp
Classification: Uncertain significance for Kufor-Rakeb syndrome; Autosomal recessive spastic paraplegia type 78. Last evaluated: 2023-08-04. Review status: criteria provided, single submitter. Criteria: Invitae Variant Classification Sherloc (09022015). Collection method: clinical testing. Allele origin: germline.
Comment: This variant has not been reported in the literature in individuals affected with ATP13A2-related conditions. In summary, the available evidence is currently insufficient to determine the role of this variant in disease. Therefore, it has been classified as a Variant of Uncertain Significance. Advanced modeling of protein sequence and biophysical properties (such as structural, functional, and spatial information, amino acid conservation, physicochemical variation, residue mobility, and thermodynamic stability) performed at Invitae indicates that this missense variant is expected to disrupt ATP13A2 protein function. ClinVar contains an entry for this variant (Variation ID: 1958487). This variant is not present in population databases (gnomAD no frequency). This sequence change replaces lysine, which is basic and polar, with glutamic acid, which is acidic and polar, at codon 427 of the ATP13A2 protein (p.Lys427Glu).

NM_022089.4(ATP13A2):c.1279A>G (p.Lys427Glu)

Gene: ATP13A2 (ATPase cation transporting 13A2; minus strand). Cytogenetic location: 1p36.13.
Variant type: single nucleotide variant.
Coding change: c.1279A>G on transcript NM_022089.4 (MANE Select); coding-DNA position 1279, A replaced by G.
Protein change: p.Lys427Glu; replaces lysine 427 with glutamic acid.
Molecular consequence: missense variant.
Genome position (GRCh38, 1-based): chr1:16,996,413, T>C on the plus strand (A>G on the coding strand, the complement: ATP13A2 is on the minus strand). VCF-style: chr1-16996413-T-C. GRCh37 (hg19) VCF-style: chr1-17322908-T-C.
Other names: c.1264A>G, p.Lys422Glu (NM_001141973.3, NM_001141974.3); short protein forms K422E, K427E.
Identifiers: ClinVar variation 1958487 (VCV001958487.5), dbSNP rs1431644803, ClinGen allele CA338254367.